The following is an entry in ClinVar:

ClinVar aggregate classification (germline): Uncertain significance. Review status: criteria provided, multiple submitters, no conflicts (2 of 4 stars). 4 submissions from 4 submitters: Uncertain significance (3). 1 of the submissions does not count toward it. Last evaluated 2025-07-27.

Conditions:
Disseminated atypical mycobacterial infection. Identifiers: MedGen C0694566.

Allele frequency attached by ClinVar (database versions not stated): TOPMed 0.00032; gnomAD 0.00033 and 0.00034; gnomAD exomes 0.00006 and 0.00003; ExAC 0.00008; 1000 Genomes Project 30x 0.00016; 1000 Genomes Project 0.00020; ESP Exome Variant Server 0.00023.
gnomAD v4.1: 96 of 1,614,162 alleles (0.0059%); highest among the groups gnomAD compares: African/African-American, 0.11%; no homozygotes.

Submissions (4):

Labcorp Genetics (formerly Invitae), Labcorp
Classification: Uncertain significance for Disseminated atypical mycobacterial infection. Last evaluated: 2025-07-27. Review status: criteria provided, single submitter. Criteria: Invitae Variant Classification Sherloc (09022015). Collection method: clinical testing. Allele origin: germline.
Comment: This sequence change replaces valine, which is neutral and non-polar, with methionine, which is neutral and non-polar, at codon 343 of the IFNGR1 protein (p.Val343Met). This variant is present in population databases (rs121913185, gnomAD 0.09%). This variant has not been reported in the literature in individuals affected with IFNGR1-related conditions. ClinVar contains an entry for this variant (Variation ID: 111207). Invitae Evidence Modeling of protein sequence and biophysical properties (such as structural, functional, and spatial information, amino acid conservation, physicochemical variation, residue mobility, and thermodynamic stability) indicates that this missense variant is not expected to disrupt IFNGR1 protein function with a negative predictive value of 80%. In summary, the available evidence is currently insufficient to determine the role of this variant in disease. Therefore, it has been classified as a Variant of Uncertain Significance.

Dasa
Classification: Uncertain significance. Last evaluated: 2025-01-11. Review status: criteria provided, single submitter. Criteria: DASA Assertion Criteria. Collection method: clinical testing. Allele origin: germline.
Comment: NM_000416.3(IFNGR1):c.1027G>A (p.Val343Met) is a missense variant that results in the substitution of valine with methionine. This variant is rare in population databases. Computational prediction algorithms are consistent with a benign effect. The currently available literature and clinical evidence are not sufficient to establish a definitive association between this variant and the reported condition. Therefore, this variant is classified as a variant of uncertain significance.

Revvity Omics, Revvity
Classification: Uncertain significance. Last evaluated: 2019-11-06. Review status: criteria provided, single submitter. Criteria: ACMG Guidelines, 2015. Collection method: clinical testing. Allele origin: germline.

Human Evolutionary Genetics, Institut Pasteur
No classification provided. Review status: no classification provided. Collection method: not provided. Allele origin: not provided. Not counted in ClinVar's aggregate classification.

NM_000416.3(IFNGR1):c.1027G>A (p.Val343Met)

Gene: IFNGR1 (interferon gamma receptor 1; minus strand). Cytogenetic location: 6q23.3.
Variant type: single nucleotide variant.
Coding change: c.1027G>A on transcript NM_000416.3 (MANE Select); coding-DNA position 1027, G replaced by A.
Protein change: p.Val343Met; replaces valine 343 with methionine.
Molecular consequence: missense variant.
Genome position (GRCh38, 1-based): chr6:137,198,474, C>T on the plus strand (G>A on the coding strand, the complement: IFNGR1 is on the minus strand). VCF-style: chr6-137198474-C-T. GRCh37 (hg19) VCF-style: chr6-137519611-C-T.
Other names: c.997G>A, p.Val333Met (NM_001363526.1); c.904G>A, p.Val302Met (NM_001363527.1); short protein forms V343M, V302M, V333M.
Identifiers: ClinVar variation 111207 (VCV000111207.18), dbSNP rs121913185, ClinGen allele CA230497.